The following is an entry in ClinVar:

ClinVar aggregate classification (germline): Conflicting classifications of pathogenicity. Review status: criteria provided, conflicting classifications (1 of 4 stars). 4 submissions from 4 submitters: Uncertain significance (2); Likely benign (1). 1 of the submissions does not count toward it. Last evaluated 2025-12-31.

Conditions:
Desmosterolosis. Identifiers: Orphanet 35107, MedGen C1865596, MONDO:0011217, OMIM 602398.
DHCR24-related disorder. Also called: DHCR24-related condition.

Allele frequency attached by ClinVar (database versions not stated): 1000 Genomes Project 0.00020; TOPMed 0.00020; ExAC 0.00028; 1000 Genomes Project 30x 0.00031.
gnomAD v4.1: 114 of 1,614,204 alleles (0.0071%); highest among the groups gnomAD compares: Admixed American, 0.19%; no homozygotes.

Submissions (4):

Labcorp Genetics (formerly Invitae), Labcorp
Classification: Likely benign. Last evaluated: 2025-12-31. Review status: criteria provided, single submitter. Criteria: Invitae Variant Classification Sherloc (09022015). Collection method: clinical testing. Allele origin: germline.

GeneDx
Classification: Uncertain significance. Last evaluated: 2024-06-13. Review status: criteria provided, single submitter. Criteria: GeneDx Variant Classification Process June 2021. Collection method: clinical testing. Allele origin: germline. Affected: yes.
Comment: In silico analysis supports that this missense variant has a deleterious effect on protein structure/function; Has not been previously published as pathogenic or benign to our knowledge

Illumina Laboratory Services, Illumina
Classification: Uncertain significance for Desmosterolosis. Last evaluated: 2018-01-13. Review status: criteria provided, single submitter. Criteria: ICSL Variant Classification Criteria 13 December 2019. Collection method: clinical testing. Allele origin: germline.

PreventionGenetics, part of Exact Sciences
Classification: Likely benign for DHCR24-related condition. Last evaluated: 2022-08-10. Review status: no assertion criteria provided. Collection method: clinical testing. Allele origin: germline. Not counted in ClinVar's aggregate classification.
Comment: This variant is classified as likely benign based on ACMG/AMP sequence variant interpretation guidelines (Richards et al. 2015 PMID: 25741868, with internal and published modifications).

NM_014762.4(DHCR24):c.726C>A (p.Phe242Leu)

Gene: DHCR24 (24-dehydrocholesterol reductase; minus strand). Cytogenetic location: 1p32.3.
Variant type: single nucleotide variant.
Coding change: c.726C>A on transcript NM_014762.4 (MANE Select); coding-DNA position 726, C replaced by A.
Protein change: p.Phe242Leu; replaces phenylalanine 242 with leucine.
Molecular consequence: missense variant.
Genome position (GRCh38, 1-based): chr1:54,871,500, G>T on the plus strand (C>A on the coding strand, the complement: DHCR24 is on the minus strand). VCF-style: chr1-54871500-G-T. GRCh37 (hg19) VCF-style: chr1-55337173-G-T.
Other names: short protein forms F242L.
Identifiers: ClinVar variation 297658 (VCV000297658.17), dbSNP rs138043637, ClinGen allele CA870742.